The following is an entry in ClinVar:

ClinVar aggregate classification (germline): Uncertain significance (1 of 4 stars; one submission).

Submission:

Labcorp Genetics (formerly Invitae), Labcorp
Classification: Uncertain significance. Last evaluated: 2024-04-16. Review status: criteria provided, single submitter. Criteria: Invitae Variant Classification Sherloc (09022015). Collection method: clinical testing. Allele origin: germline.
Comment: This sequence change replaces alanine, which is neutral and non-polar, with serine, which is neutral and polar, at codon 139 of the LYN protein (p.Ala139Ser). This variant is not present in population databases (gnomAD no frequency). This variant has not been reported in the literature in individuals affected with LYN-related conditions. An algorithm developed to predict the effect of missense changes on protein structure and function (PolyPhen-2) suggests that this variant is likely to be tolerated. In summary, the available evidence is currently insufficient to determine the role of this variant in disease. Therefore, it has been classified as a Variant of Uncertain Significance.

NM_002350.4(LYN):c.415G>T (p.Ala139Ser)

Gene: LYN (LYN proto-oncogene, Src family tyrosine kinase; plus strand). Cytogenetic location: 8q12.1.
Variant type: single nucleotide variant.
Coding change: c.415G>T on transcript NM_002350.4 (MANE Select); coding-DNA position 415, G replaced by T.
Protein change: p.Ala139Ser; replaces alanine 139 with serine.
Molecular consequence: missense variant.
Genome position (GRCh38, 1-based): chr8:55,950,712, G>T. VCF-style: chr8-55950712-G-T. GRCh37 (hg19) VCF-style: chr8-56863271-G-T.
Other names: c.352G>T, p.Ala118Ser (NM_001111097.3); short protein forms A139S, A118S.
Identifiers: ClinVar variation 3650124 (VCV003650124.2).